The following is an entry in ClinVar:

NM_001041.4(SI):c.467A>G (p.Asn156Ser)

Gene: SI (sucrase-isomaltase; minus strand). Cytogenetic location: 3q26.1.
Variant type: single nucleotide variant.
Coding change: c.467A>G on transcript NM_001041.4 (MANE Select); coding-DNA position 467, A replaced by G.
Protein change: p.Asn156Ser; replaces asparagine 156 with serine.
Molecular consequence: missense variant.
Genome position (GRCh38, 1-based): chr3:165,068,738, T>C on the plus strand (A>G on the coding strand, the complement: SI is on the minus strand). VCF-style: chr3-165068738-T-C. GRCh37 (hg19) VCF-style: chr3-164786526-T-C.
Other names: short protein forms N156S.
Identifiers: ClinVar variation 1936439 (VCV001936439.5), dbSNP rs771312802, ClinGen allele CA2691491.

ClinVar aggregate classification (germline): Uncertain significance (1 of 4 stars; one submission).

Allele frequency attached by ClinVar (database versions not stated): ExAC 0.00001; gnomAD 0.00001; TOPMed 0.00001; gnomAD exomes 0.00002.
gnomAD v4.1: 30 of 1,612,276 alleles (0.0019%); highest among the groups gnomAD compares: Non-Finnish European, 0.0024%; no homozygotes.

Submission:

Labcorp Genetics (formerly Invitae), Labcorp
Classification: Uncertain significance. Last evaluated: 2024-11-18. Review status: criteria provided, single submitter. Criteria: Invitae Variant Classification Sherloc (09022015). Collection method: clinical testing. Allele origin: germline.
Comment: This sequence change replaces asparagine, which is neutral and polar, with serine, which is neutral and polar, at codon 156 of the SI protein (p.Asn156Ser). This variant is present in population databases (rs771312802, gnomAD 0.004%). This variant has not been reported in the literature in individuals affected with SI-related conditions. ClinVar contains an entry for this variant (Variation ID: 1936439). Invitae Evidence Modeling of protein sequence and biophysical properties (such as structural, functional, and spatial information, amino acid conservation, physicochemical variation, residue mobility, and thermodynamic stability) indicates that this missense variant is not expected to disrupt SI protein function with a negative predictive value of 95%. In summary, the available evidence is currently insufficient to determine the role of this variant in disease. Therefore, it has been classified as a Variant of Uncertain Significance.